The following is an entry in ClinVar:

NM_002834.5(PTPN11):c.255C>T (p.His85=)

Gene: PTPN11 (protein tyrosine phosphatase non-receptor type 11; plus strand). Cytogenetic location: 12q24.13.
Variant type: single nucleotide variant.
Coding change: c.255C>T on transcript NM_002834.5 (MANE Select); coding-DNA position 255, C replaced by T.
Protein change: p.His85=; no amino-acid change (histidine 85 retained).
Molecular consequence: synonymous variant.
Genome position (GRCh38, 1-based): chr12:112,450,435, C>T. VCF-style: chr12-112450435-C-T. GRCh37 (hg19) VCF-style: chr12-112888239-C-T.
Other names: p.H85H:CAC>CAT; NM_002834.4(PTPN11):c.255C>T; c.255C>T, p.His85= (NM_001330437.2, NM_080601.3); c.252C>T, p.His84= (NM_001374625.1); c.255C>T (NM_002834.4).
Identifiers: ClinVar variation 36708 (VCV000036708.47), dbSNP rs61736914, ClinGen allele CA134659.
Genomic context (GRCh38, chr12:112,450,435, plus strand): 5'-GTATGGAGGGGAGAAATTTGCCACTTTGGCTGAGTTGGTCCAGTATTACATGGAACATCA[C>T]GGGCAATTAAAAGAGAAGAATGGAGATGTCATTGAGCTTAAATATCCTCTGAACTGTGCA-3'
Protein context (NP_002825.3, residues 75-95): AELVQYYMEH[His85=]GQLKEKNGDV

ClinVar aggregate classification (germline): Benign. Review status: reviewed by expert panel (3 of 4 stars). 23 submissions from 20 submitters: Benign (1). 22 of the submissions do not count toward it. Last evaluated 2017-04-18.

Conditions:
Noonan syndrome and Noonan-related syndrome. Identifiers: Orphanet 98733, MedGen C5681679, MONDO:0020297.
Hereditary cancer-predisposing syndrome. Also called: Neoplastic Syndromes, Hereditary; Hereditary Cancer Syndrome; Hereditary neoplastic syndrome; Tumor predisposition. Identifiers: Orphanet 140162, MedGen C0027672, MeSH D009386, MONDO:0015356.
Cardiovascular phenotype. Identifiers: MedGen CN230736.
RASopathy. Also called: Noonan spectrum disorder; rasopathies. Identifiers: Orphanet 536391, MedGen C5555857, MONDO:0021060.
Noonan syndrome (NS). Also called: Noonan's syndrome. Identifiers: Orphanet 648, MedGen C0028326, MeSH D009634, MONDO:0018997. Disease mechanism: gain of function.
LEOPARD syndrome 1 (LPRD1). Also called: PTPN11-Related LEOPARD Syndrome; LENTIGINOSIS, CARDIOMYOPATHIC; MULTIPLE LENTIGINES SYNDROME. Identifiers: Orphanet 500, MedGen C4551484, MONDO:0100082, OMIM 151100.
Metachondromatosis (METCDS). Identifiers: Orphanet 2499, MedGen C0410530, MONDO:0007979, OMIM 156250.
Noonan syndrome 1 (NS1). Also called: FEMALE PSEUDO-TURNER SYNDROME; PTPN11-Related Noonan Syndrome; TURNER PHENOTYPE WITH NORMAL KARYOTYPE. Identifiers: Orphanet 648, MedGen C4551602, MONDO:0008104, OMIM 163950. Disease mechanism: gain of function.
Juvenile myelomonocytic leukemia (JMML). Also called: LEUKEMIA, JUVENILE MYELOMONOCYTIC, SOMATIC. Identifiers: Orphanet 86834, MedGen C0349639, MONDO:0011908, OMIM 607785, HP:0012209.

Allele frequency attached by ClinVar (database versions not stated): gnomAD exomes 0.00221 and 0.00575; ExAC 0.00717; gnomAD 0.02271 and 0.02119; TOPMed 0.02455; 1000 Genomes Project 30x 0.02686; ESP Exome Variant Server 0.02814; 1000 Genomes Project 0.02436.
gnomAD v4.1: 6,609 of 1,613,868 alleles (0.41%); highest among the groups gnomAD compares: African/African-American, 7.5%; 221 homozygotes.

Submissions (23):

ClinGen RASopathy Variant Curation Expert Panel
Classification: Benign for Noonan syndrome and Noonan-related syndrome. Last evaluated: 2017-04-18. Review status: reviewed by expert panel. Criteria: ClinGen RASopathy ACMG Specifications v1. Collection method: curation. Allele origin: germline. Inheritance: Autosomal dominant inheritance.
Comment: The filtering allele frequency of the c.255C>T (p.His85=) variant in the PTPN11 gene is 7.417% (818/10402) of African chromosomes by the Exome Aggregation Consortium, which is a high enough frequency to be classified as benign based on thresholds defined by the ClinGen RASopathy Expert Panel (BA1; PMID:29493581)

Labcorp Genetics (formerly Invitae), Labcorp
Classification: Benign for RASopathy. Last evaluated: 2026-02-03. Review status: criteria provided, single submitter. Criteria: Invitae Variant Classification Sherloc (09022015). Collection method: clinical testing. Allele origin: germline. Not counted in ClinVar's aggregate classification.

ARUP Laboratories, Molecular Genetics and Genomics, ARUP Laboratories
Classification: Benign. Last evaluated: 2025-06-02. Review status: criteria provided, single submitter. Criteria: ARUP Molecular Germline Variant Investigation Process 2024. Collection method: clinical testing. Allele origin: germline. Not counted in ClinVar's aggregate classification.

Molecular Diagnostic Laboratory for Inherited Cardiovascular Disease, Montreal Heart Institute
Classification: Benign. Last evaluated: 2025-04-09. Review status: criteria provided, single submitter. Criteria: ACMG Guidelines, 2015. Collection method: clinical testing. Allele origin: germline. Affected: no. Not counted in ClinVar's aggregate classification.

KCCC/NGS Laboratory, Kuwait Cancer Control Center
Classification: Benign for Metachondromatosis. Last evaluated: 2025-02-01. Review status: criteria provided, single submitter. Criteria: ACMG Guidelines, 2015. Collection method: clinical testing. Allele origin: germline. Affected: no. Not counted in ClinVar's aggregate classification.

Molecular Diagnostics Laboratory, Catalan Institute of Oncology
Classification: Benign for Hereditary cancer-predisposing syndrome. Last evaluated: 2024-11-28. Review status: criteria provided, single submitter. Criteria: ACMG Guidelines, 2015. Collection method: clinical testing. Allele origin: germline. Not counted in ClinVar's aggregate classification.
Comment: BA1, BS2, BP4, BP7 c.255C>T, located in exon 3 of the PTPN11 gene, is predicted to result in no amino acid change, p.(His85=)(BP7). The variant allele was found in 1824/23606 alleles, with a filtering allele frequency of 7.3% at 99% confidence, within the South Asian population in the gnomAD v2.1.1 database (non-cancer data set) (BA1). The SpliceAI algorithm predicts no significant impact on splicing (BP4). To our knowledge, neither relevant clinical data nor well-established functional studies have been reported for this variant. This variant has been observed in homozygous state in multiple healthy individuals (BS2). This variant has been reported in the ClinVar database (15x benign, 1x likely benign) and in LOVD (2x benign, 1x likely benign). Based on currently available information, the variant c.255C>T should be considered a benign variant, according to ACMG/AMP classification guidelines.

KCCC/NGS Laboratory, Kuwait Cancer Control Center
Classification: Benign for Juvenile myelomonocytic leukemia. Last evaluated: 2023-07-07. Review status: criteria provided, single submitter. Criteria: ACMG Guidelines, 2015. Collection method: clinical testing. Allele origin: germline. Affected: yes. Not counted in ClinVar's aggregate classification.

Genome Diagnostics Laboratory, The Hospital for Sick Children
Classification: Benign for Noonan syndrome and Noonan-related syndrome. Last evaluated: 2021-02-04. Review status: criteria provided, single submitter. Criteria: ACMG Guidelines, 2015. Collection method: clinical testing. Allele origin: germline. Not counted in ClinVar's aggregate classification.

Illumina Laboratory Services, Illumina
Classification: Benign for Metachondromatosis. Last evaluated: 2018-01-12. Review status: criteria provided, single submitter. Criteria: ICSL Variant Classification Criteria 13 December 2019. Collection method: clinical testing. Allele origin: germline. Not counted in ClinVar's aggregate classification.
Comment: This variant was observed in the ICSL laboratory as part of a predisposition screen in an ostensibly healthy population. It had not been previously curated by ICSL or reported in the Human Gene Mutation Database (HGMD: prior to June 1st, 2018), and was therefore a candidate for classification through an automated scoring system. Utilizing variant allele frequency, disease prevalence and penetrance estimates, and inheritance mode, an automated score was calculated to assess if this variant is too frequent to cause the disease. Based on the score and internal cut-off values, a variant classified as benign is not then subjected to further curation. The score for this variant resulted in a classification of benign for this disease.

Illumina Laboratory Services, Illumina
Classification: Benign for LEOPARD syndrome 1. Last evaluated: 2018-01-12. Review status: criteria provided, single submitter. Criteria: ICSL Variant Classification Criteria 13 December 2019. Collection method: clinical testing. Allele origin: germline. Not counted in ClinVar's aggregate classification.
Comment: the same text as in the submission from Illumina Laboratory Services, Illumina above.

Illumina Laboratory Services, Illumina
Classification: Benign for Noonan syndrome 1. Last evaluated: 2018-01-12. Review status: criteria provided, single submitter. Criteria: ICSL Variant Classification Criteria 13 December 2019. Collection method: clinical testing. Allele origin: germline. Not counted in ClinVar's aggregate classification.
Comment: the same text as in the submission from Illumina Laboratory Services, Illumina above.

Ambry Genetics
Classification: Benign for Cardiovascular phenotype. Last evaluated: 2015-09-17. Review status: criteria provided, single submitter. Criteria: Ambry Variant Classification Scheme 2023. Collection method: clinical testing. Allele origin: germline. Not counted in ClinVar's aggregate classification.

Mayo Clinic Laboratories, Mayo Clinic
Classification: Benign. Last evaluated: 2015-07-07. Review status: criteria provided, single submitter. Criteria: ACMG Guidelines, 2015. Collection method: clinical testing. Allele origin: germline. Observed: 43 variant alleles. Not counted in ClinVar's aggregate classification.

Laboratory for Molecular Medicine, Mass General Brigham Personalized Medicine
Classification: Benign. Last evaluated: 2015-01-08. Review status: criteria provided, single submitter. Criteria: LMM Criteria. Collection method: clinical testing. Allele origin: germline. Observed: 64 variant alleles. Not counted in ClinVar's aggregate classification.
Comment: p.His85His in exon 3 of PTPN11: This variant is not expected to have clinical si gnificance because it does not alter an amino acid residue and is not located wi thin the splice consensus sequence. It has been identified in 7.8% (830/10580) o f African chromosomes by the Exome Aggregation Consortium (ExAC; dbSNP rs61736914).

Eurofins Ntd Llc (ga)
Classification: Benign. Last evaluated: 2013-03-01. Review status: criteria provided, single submitter. Criteria: EGL Classification Definitions 2015. Collection method: clinical testing. Allele origin: germline. Observed: 1 variant allele, 1 heterozygote. Not counted in ClinVar's aggregate classification.

GeneDx
Classification: Benign. Last evaluated: 2012-01-17. Review status: criteria provided, single submitter. Criteria: GeneDx Variant Classification (06012015). Collection method: clinical testing. Allele origin: germline. Affected: yes. Not counted in ClinVar's aggregate classification.
Comment: This variant is considered likely benign or benign based on one or more of the following criteria: it is a conservative change, it occurs at a poorly conserved position in the protein, it is predicted to be benign by multiple in silico algorithms, and/or has population frequency not consistent with disease.

Breakthrough Genomics
Classification: Benign. Review status: criteria provided, single submitter. Criteria: ACMG Guidelines, 2015. Collection method: not provided. Allele origin: germline. Inheritance: Autosomal dominant inheritance. Affected: yes. Not counted in ClinVar's aggregate classification.

PreventionGenetics, part of Exact Sciences
Classification: Benign. Review status: criteria provided, single submitter. Criteria: ACMG Guidelines, 2015. Collection method: clinical testing. Allele origin: germline. Not counted in ClinVar's aggregate classification.

Greenwood Genetic Center Diagnostic Laboratories, Greenwood Genetic Center
Classification: Benign. Last evaluated: 2015-01-15. Review status: no assertion criteria provided. Collection method: clinical testing. Allele origin: germline. Not counted in ClinVar's aggregate classification.

Women's Health and Genetics/Laboratory Corporation of America, LabCorp
Classification: Benign for Noonan's Syndrome. Last evaluated: 2011-10-26. Review status: no assertion criteria provided. Collection method: clinical testing. Allele origin: germline. Not counted in ClinVar's aggregate classification.

Baylor Genetics
Classification: Benign for Rasopathy. Review status: no assertion criteria provided. Collection method: clinical testing. Allele origin: unknown. Affected: yes. Not counted in ClinVar's aggregate classification.
Comment: Variant classified using ACMG guidelines

Clinical Genetics, Academic Medical Center
Classification: Benign. Review status: no assertion criteria provided. Collection method: clinical testing. Allele origin: germline. Affected: yes. Study: VKGL Data-share Consensus. Not counted in ClinVar's aggregate classification.

Joint Genome Diagnostic Labs from Nijmegen and Maastricht, Radboudumc and MUMC+
Classification: Likely benign. Review status: no assertion criteria provided. Collection method: clinical testing. Allele origin: germline. Affected: yes. Study: VKGL Data-share Consensus. Not counted in ClinVar's aggregate classification.

Literature cited by the submitters: PubMed 11992261 (cited by Baylor Genetics).